The following is an entry in ClinVar:

ClinVar aggregate classification (germline): Uncertain significance (1 of 4 stars; one submission).

Conditions:
Emery-Dreifuss muscular dystrophy 5, autosomal dominant (EDMD5). Also called: EMERY-DREIFUSS MUSCULAR DYSTROPHY 5. Identifiers: Orphanet 261, MedGen C2751805, MONDO:0013072, OMIM 612999.

gnomAD v4.1: 1 of 1,613,884 alleles (0.000062%); highest among the groups gnomAD compares: Non-Finnish European, 0.000085%; no homozygotes.

Submission:

Labcorp Genetics (formerly Invitae), Labcorp
Classification: Uncertain significance for Emery-Dreifuss muscular dystrophy 5, autosomal dominant. Last evaluated: 2025-07-08. Review status: criteria provided, single submitter. Criteria: Invitae Variant Classification Sherloc (09022015). Collection method: clinical testing. Allele origin: germline.
Comment: This sequence change replaces tyrosine, which is neutral and polar, with histidine, which is basic and polar, at codon 509 of the SYNE2 protein (p.Tyr509His). This variant is not present in population databases (gnomAD no frequency). This variant has not been reported in the literature in individuals affected with SYNE2-related conditions. An algorithm developed to predict the effect of missense changes on protein structure and function (PolyPhen-2) suggests that this variant is likely to be disruptive. In summary, the available evidence is currently insufficient to determine the role of this variant in disease. Therefore, it has been classified as a Variant of Uncertain Significance.

NM_182914.3(SYNE2):c.1525T>C (p.Tyr509His)

Gene: SYNE2 (spectrin repeat containing nuclear envelope protein 2; plus strand). Cytogenetic location: 14q23.2.
Variant type: single nucleotide variant.
Coding change: c.1525T>C on transcript NM_182914.3 (MANE Select); coding-DNA position 1525, T replaced by C.
Protein change: p.Tyr509His; replaces tyrosine 509 with histidine.
Molecular consequence: missense variant.
Genome position (GRCh38, 1-based): chr14:63,978,970, T>C. VCF-style: chr14-63978970-T-C. GRCh37 (hg19) VCF-style: chr14-64445688-T-C.
Other names: c.1525T>C, p.Tyr509His (NM_015180.6); short protein forms Y509H.
Identifiers: ClinVar variation 4773537 (VCV004773537.1).
Genomic context (GRCh38, chr14:63,978,970, plus strand): 5'-TGCTTAGTTCTTGGTTTGGTAGATGAAGTGAAATCAAAATTGGATATTTGGAACATTAAA[T>C]ATGGGAGCAGAGAATCTGTGGAATTATTGCTGGAAGACTGGCATGTAAGCTTTTCAATTT-3'
Protein context (NP_878918.2, residues 499-519): KSKLDIWNIK[Tyr509His]GSRESVELLL